The following is an entry in ClinVar:

ClinVar aggregate classification (germline): Likely benign. Review status: criteria provided, multiple submitters, no conflicts (2 of 4 stars). 2 submissions from 2 submitters: Likely benign (2). Last evaluated 2025-03-01.

gnomAD v4.1: 24 of 1,611,856 alleles (0.0015%); highest among the groups gnomAD compares: Admixed American, 0.013%; no homozygotes.

Submissions (2):

CeGaT Center for Human Genetics Tuebingen
Classification: Likely benign. Last evaluated: 2025-03-01. Review status: criteria provided, single submitter. Criteria: CeGaT Center For Human Genetics Tuebingen Variant Classification Criteria Version 2. Collection method: clinical testing. Allele origin: germline. Affected: yes. Observed: 1 variant allele.
Comment: SETD1A: BP4, BP7

Blueprint Genetics
Classification: Likely benign. Last evaluated: 2024-11-07. Review status: criteria provided, single submitter. Criteria: ACMG Guidelines, 2015. Collection method: clinical testing. Allele origin: germline.

NM_014712.3(SETD1A):c.3606C>T (p.Gly1202=)

Gene: SETD1A (SET domain containing 1A, histone lysine methyltransferase; plus strand). Cytogenetic location: 16p11.2.
Variant type: single nucleotide variant.
Coding change: c.3606C>T on transcript NM_014712.3 (MANE Select); coding-DNA position 3606, C replaced by T.
Protein change: p.Gly1202=; no amino-acid change (glycine 1202 retained).
Molecular consequence: synonymous variant.
Genome position (GRCh38, 1-based): chr16:30,979,392, C>T. VCF-style: chr16-30979392-C-T. GRCh37 (hg19) VCF-style: chr16-30990713-C-T.
Identifiers: ClinVar variation 3778195 (VCV003778195.8).
Genomic context (GRCh38, chr16:30,979,392, plus strand): 5'-TCCAGCCACACCGCCGCAGGCCAAGTTTCCCGGCCCAGCCTCCCGCAAGGCTCCCCGGGG[C>T]GTGGAGCGGACCATCCGCAACCTGCCCCTGGACCACGCATCTCTGGTCAAGAGTTGGCCC-3'
Protein context (NP_055527.1, residues 1192-1212): PGPASRKAPR[Gly1202=]VERTIRNLPL